The following is an entry in ClinVar:

ClinVar aggregate classification (germline): Likely benign (1 of 4 stars; one submission).

Submission:

CeGaT Center for Human Genetics Tuebingen
Classification: Likely benign. Last evaluated: 2024-06-01. Review status: criteria provided, single submitter. Criteria: CeGaT Center For Human Genetics Tuebingen Variant Classification Criteria Version 2. Collection method: clinical testing. Allele origin: germline. Affected: yes. Observed: 1 variant allele.
Comment: SOS1: PM2:Supporting, BP4, BP7

NM_005633.4(SOS1):c.1347T>C (p.Thr449=)

Gene: SOS1 (SOS Ras/Rac guanine nucleotide exchange factor 1; minus strand). Cytogenetic location: 2p22.1.
Variant type: single nucleotide variant.
Coding change: c.1347T>C on transcript NM_005633.4 (MANE Select); coding-DNA position 1347, T replaced by C.
Protein change: p.Thr449=; no amino-acid change (threonine 449 retained).
Molecular consequence: synonymous variant.
Genome position (GRCh38, 1-based): chr2:39,023,081, A>G on the plus strand (T>C on the coding strand, the complement: SOS1 is on the minus strand). VCF-style: chr2-39023081-A-G. GRCh37 (hg19) VCF-style: chr2-39250222-A-G.
Other names: c.1326T>C, p.Thr442= (NM_001382394.1); c.1347T>C, p.Thr449= (NM_001382395.1).
Identifiers: ClinVar variation 3250649 (VCV003250649.18), dbSNP rs2529037592.